The following is an entry in ClinVar:

ClinVar aggregate classification (germline): Uncertain significance (1 of 4 stars; one submission).

Conditions:
Emery-Dreifuss muscular dystrophy 4, autosomal dominant (EDMD4). Also called: EMERY-DREIFUSS MUSCULAR DYSTROPHY 4 WITH VARIABLE FEATURES. Identifiers: Orphanet 261, MedGen C2751807, MONDO:0013071, OMIM 612998.
Autosomal recessive ataxia, Beauce type. Also called: Spinocerebellar ataxia, autosomal recessive 8; ATAXIA, RECESSIVE, OF BEAUCE; SYNE1 Deficiency; SYNE1-Related Autosomal Recessive Cerebellar Ataxia. Identifiers: Orphanet 88644, MedGen C1853116, MONDO:0012549, OMIM 610743.

Submission:

Labcorp Genetics (formerly Invitae), Labcorp
Classification: Uncertain significance for Emery-Dreifuss muscular dystrophy 4, autosomal dominant; Autosomal recessive ataxia, Beauce type. Last evaluated: 2022-07-06. Review status: criteria provided, single submitter. Criteria: Invitae Variant Classification Sherloc (09022015). Collection method: clinical testing. Allele origin: germline.
Comment: This variant is not present in population databases (gnomAD no frequency). In summary, the available evidence is currently insufficient to determine the role of this variant in disease. Therefore, it has been classified as a Variant of Uncertain Significance. Variants that disrupt the consensus splice site are a relatively common cause of aberrant splicing (PMID: 17576681, 9536098). Algorithms developed to predict the effect of sequence changes on RNA splicing suggest that this variant may disrupt the consensus splice site. ClinVar contains an entry for this variant (Variation ID: 1056176). This variant has not been reported in the literature in individuals affected with SYNE1-related conditions. This sequence change falls in intron 94 of the SYNE1 gene. It does not directly change the encoded amino acid sequence of the SYNE1 protein. It affects a nucleotide within the consensus splice site.

Literature cited by the submitters: PubMed 17576681; PubMed 9536098.

NM_182961.4(SYNE1):c.18013-3C>T

Gene: SYNE1 (spectrin repeat containing nuclear envelope protein 1; minus strand). Cytogenetic location: 6q25.2.
Variant type: single nucleotide variant.
Coding change: c.18013-3C>T on transcript NM_182961.4 (MANE Select); 3 bases into the intron before coding-DNA position 18013, C replaced by T.
Molecular consequence: intron variant.
Genome position (GRCh38, 1-based): chr6:152,284,175, G>A on the plus strand (C>T on the coding strand, the complement: SYNE1 is on the minus strand). VCF-style: chr6-152284175-G-A. GRCh37 (hg19) VCF-style: chr6-152605310-G-A.
Other names: c.17800-3C>T (NM_033071.5).
Identifiers: ClinVar variation 1056176 (VCV001056176.9), dbSNP rs2153732604, ClinGen allele CA2499218142.
Genomic context (GRCh38, chr6:152,284,175, plus strand): 5'-GAGAGGACTGGAGCTCATTGATTTCATCCTGGAGCATGAGAATCTCATCCATCAATGCCT[G>A]GAGGAAAGACTGTGGAATCACACTCATGTATTCATTTCTTCACTGAGGGATCATTAGCAC-3'